The following is an entry in ClinVar:

NM_006904.7(PRKDC):c.153G>A (p.Leu51=)

Genes: PRKDC (protein kinase, DNA-activated, catalytic subunit; minus strand), LOC130000337 (ATAC-STARR-seq lymphoblastoid silent region 19176; plus strand). Cytogenetic location: 8q11.21.
Variant type: single nucleotide variant.
Coding change: c.153G>A on transcript NM_006904.7 (MANE Select); coding-DNA position 153, G replaced by A.
Protein change: p.Leu51=; no amino-acid change (leucine 51 retained).
Molecular consequence: synonymous variant.
Genome position (GRCh38, 1-based): chr8:47,959,974, C>T on the plus strand (G>A on the coding strand, the complement: PRKDC is on the minus strand). VCF-style: chr8-47959974-C-T. GRCh37 (hg19) VCF-style: chr8-48872534-C-T.
Other names: c.153G>A, p.Leu51= (NM_001081640.2).
Identifiers: ClinVar variation 1916010 (VCV001916010.3), dbSNP rs2551882708, ClinGen allele CA460611177.

ClinVar aggregate classification (germline): Uncertain significance (1 of 4 stars; one submission).

Conditions:
Severe combined immunodeficiency due to DNA-PKcs deficiency. Also called: IMMUNODEFICIENCY 26 WITH NEUROLOGIC ABNORMALITIES; Immunodeficiency 26 with or without neurologic abnormalities. Identifiers: Orphanet 317425, MedGen C4014833, MONDO:0014423, OMIM 615966.

Allele frequency attached by ClinVar (database versions not stated): gnomAD exomes below 0.00001.
gnomAD v4.1: 2 of 1,535,238 alleles (0.00013%); highest among the groups gnomAD compares: African/African-American, 0.0014%; no homozygotes.

Submission:

Labcorp Genetics (formerly Invitae), Labcorp
Classification: Uncertain significance for Severe combined immunodeficiency due to DNA-PKcs deficiency. Last evaluated: 2022-05-30. Review status: criteria provided, single submitter. Criteria: Invitae Variant Classification Sherloc (09022015). Collection method: clinical testing. Allele origin: germline.
Comment: In summary, the available evidence is currently insufficient to determine the role of this variant in disease. Therefore, it has been classified as a Variant of Uncertain Significance. This sequence change affects codon 51 of the PRKDC mRNA. It is a 'silent' change, meaning that it does not change the encoded amino acid sequence of the PRKDC protein. It affects a nucleotide within the consensus splice site. This variant is not present in population databases (gnomAD no frequency). This variant has not been reported in the literature in individuals affected with PRKDC-related conditions. Algorithms developed to predict the effect of sequence changes on RNA splicing suggest that this variant may disrupt the consensus splice site.